The following is an entry in ClinVar:

ClinVar aggregate classification (germline): Uncertain significance. Review status: criteria provided, multiple submitters, no conflicts (2 of 4 stars). 3 submissions from 3 submitters: Uncertain significance (3). Last evaluated 2025-12-02.

Conditions:
Congenital disorder of glycosylation, type Iaa. Also called: Congenital disorder of glycosylation, type 1aa. Identifiers: MedGen C4310727, MONDO:0014904, OMIM 617082.
Inborn genetic diseases. Identifiers: MedGen C0950123, MeSH D030342.

gnomAD v4.1: 7 of 1,563,158 alleles (0.00045%); highest among the groups gnomAD compares: Non-Finnish European, 0.00052%; no homozygotes.

Submissions (3):

Ambry Genetics
Classification: Uncertain significance for Inborn genetic diseases. Last evaluated: 2025-12-02. Review status: criteria provided, single submitter. Criteria: Ambry Variant Classification Scheme 2023. Collection method: clinical testing. Allele origin: germline.

Blueprint Genetics
Classification: Uncertain significance. Last evaluated: 2024-04-04. Review status: criteria provided, single submitter. Criteria: ACMG Guidelines, 2015. Collection method: clinical testing. Allele origin: germline.

Labcorp Genetics (formerly Invitae), Labcorp
Classification: Uncertain significance for Congenital disorder of glycosylation, type Iaa. Last evaluated: 2022-03-27. Review status: criteria provided, single submitter. Criteria: Invitae Variant Classification Sherloc (09022015). Collection method: clinical testing. Allele origin: germline.
Comment: In summary, the available evidence is currently insufficient to determine the role of this variant in disease. Therefore, it has been classified as a Variant of Uncertain Significance. Algorithms developed to predict the effect of missense changes on protein structure and function are either unavailable or do not agree on the potential impact of this missense change (SIFT: "Deleterious"; PolyPhen-2: "Benign"; Align-GVGD: "Class C0"). This variant has not been reported in the literature in individuals affected with NUS1-related conditions. This variant is not present in population databases (gnomAD no frequency). This sequence change replaces cysteine, which is neutral and slightly polar, with tryptophan, which is neutral and slightly polar, at codon 41 of the NUS1 protein (p.Cys41Trp).

NM_138459.5(NUS1):c.123C>G (p.Cys41Trp)

Gene: NUS1 (NUS1 dehydrodolichyl diphosphate synthase subunit; plus strand). Cytogenetic location: 6q22.1.
Variant type: single nucleotide variant.
Coding change: c.123C>G on transcript NM_138459.5 (MANE Select); coding-DNA position 123, C replaced by G.
Protein change: p.Cys41Trp; replaces cysteine 41 with tryptophan.
Molecular consequence: missense variant.
Genome position (GRCh38, 1-based): chr6:117,675,793, C>G. VCF-style: chr6-117675793-C-G. GRCh37 (hg19) VCF-style: chr6-117996956-C-G.
Other names: c.123C>G (NM_138459.3); short protein forms C41W.
Identifiers: ClinVar variation 1423105 (VCV001423105.10), dbSNP rs914678907, ClinGen allele CA146431379.